The following is an entry in ClinVar:

NM_000051.4(ATM):c.8687A>C (p.Gln2896Pro)

Genes: ATM (ATM serine/threonine kinase; plus strand), C11orf65 (chromosome 11 open reading frame 65; minus strand). Cytogenetic location: 11q22.3.
Variant type: single nucleotide variant.
Coding change: c.8687A>C on transcript NM_000051.4 (MANE Select); coding-DNA position 8687, A replaced by C.
Protein change: p.Gln2896Pro; replaces glutamine 2896 with proline.
Molecular consequence: missense variant. On other transcripts: intron variant (2).
Genome position (GRCh38, 1-based): chr11:108,353,781, A>C. VCF-style: chr11-108353781-A-C. GRCh37 (hg19) VCF-style: chr11-108224508-A-C.
Other names: c.8687A>C, p.Gln2896Pro (NM_001351834.2); c.640+32139T>G (NM_001330368.2); c.695-18489T>G (NM_001351110.2); short protein forms Q2896P.
Identifiers: ClinVar variation 1011982 (VCV001011982.12), dbSNP rs2089494486, ClinGen allele CA382523596.

ClinVar aggregate classification (germline): Conflicting classifications of pathogenicity. Review status: criteria provided, conflicting classifications (1 of 4 stars). 3 submissions from 3 submitters: Likely pathogenic (1); Uncertain significance (2). Last evaluated 2025-10-06.

Conditions:
Hereditary cancer-predisposing syndrome. Also called: Neoplastic Syndromes, Hereditary; Tumor predisposition; Hereditary Cancer Syndrome; Hereditary neoplastic syndrome. Identifiers: Orphanet 140162, MedGen C0027672, MeSH D009386, MONDO:0015356.
Ataxia-telangiectasia syndrome (AT). Also called: Ataxia telangiectasia (A-T); ATAXIA-TELANGIECTASIA, COMPLEMENTATION GROUP A; ATAXIA-TELANGIECTASIA, FRESNO VARIANT; Ataxia-telangiectasia; Ataxia-telangiectasia, complementation group E; LOUIS-BAR SYNDROME. Identifiers: Orphanet 100, MedGen C0004135, MONDO:0008840, OMIM 208900.

Allele frequency attached by ClinVar (database versions not stated): gnomAD exomes below 0.00001.
gnomAD v4.1: 1 of 1,613,882 alleles (0.000062%); highest among the groups gnomAD compares: East Asian, 0.0022%; no homozygotes.

Submissions (3):

Ambry Genetics
Classification: Likely pathogenic for Hereditary cancer-predisposing syndrome. Last evaluated: 2025-10-06. Review status: criteria provided, single submitter. Criteria: Ambry Variant Classification Scheme 2023. Collection method: clinical testing. Allele origin: germline.
Comment: The p.Q2896P variant (also known as c.8687A>C), located in coding exon 59 of the ATM gene, results from an A to C substitution at nucleotide position 8687. The glutamine at codon 2896 is replaced by proline, an amino acid with similar properties. This variant has been identified in the homozygous state and/or in conjunction with other ATM variant(s) in individual(s) who met clinical criteria for ataxia-telangiectasia (A-T); in at least one instance, the variants were identified in trans (Seo GH et al. Clin Genet 2020 12;98(6):562-570). This amino acid position is highly conserved in available vertebrate species. In addition, this alteration is predicted to be deleterious by in silico analysis. This variant is considered to be rare based on population cohorts in the Genome Aggregation Database (gnomAD). Based on the majority of available evidence to date, this variant is likely to be pathogenic.

3billion
Classification: Uncertain significance for Ataxia-telangiectasia syndrome. Last evaluated: 2024-07-30. Review status: criteria provided, single submitter. Criteria: ACMG Guidelines, 2015. Collection method: clinical testing. Allele origin: germline. Affected: yes.
Comment: The variant is not observed in the gnomAD v4.0.0 dataset. The majority of the known disease-causing variants of this gene are variants expected to result in premature termination of the protein. In silico tool predictions suggest damaging effect of the variant on gene or gene product [REVEL: 0.92 (>=0.6); 3Cnet: 0.99 (>=0.6)]. The variant has been reported as of uncertain significance (ClinVar ID: VCV001011982; 3billion dataset). Therefore, this variant is classified as uncertain significance according to the recommendation of ACMG/AMP guideline.

Labcorp Genetics (formerly Invitae), Labcorp
Classification: Uncertain significance for Ataxia-telangiectasia syndrome. Last evaluated: 2022-05-27. Review status: criteria provided, single submitter. Criteria: Invitae Variant Classification Sherloc (09022015). Collection method: clinical testing. Allele origin: germline.
Comment: This sequence change replaces glutamine, which is neutral and polar, with proline, which is neutral and non-polar, at codon 2896 of the ATM protein (p.Gln2896Pro). This variant is not present in population databases (gnomAD no frequency). This variant has not been reported in the literature in individuals affected with ATM-related conditions. ClinVar contains an entry for this variant (Variation ID: 1011982). Advanced modeling of protein sequence and biophysical properties (such as structural, functional, and spatial information, amino acid conservation, physicochemical variation, residue mobility, and thermodynamic stability) performed at Invitae indicates that this missense variant is expected to disrupt ATM protein function. In summary, the available evidence is currently insufficient to determine the role of this variant in disease. Therefore, it has been classified as a Variant of Uncertain Significance.

Literature cited by the submitters: PubMed 40580951 (cited by Ambry Genetics).